The following is an entry in ClinVar:

ClinVar aggregate classification (germline): Uncertain significance (1 of 4 stars; one submission).

Conditions:
Koolen-de Vries syndrome (KDVS). Identifiers: Orphanet 96169, MedGen C1864871, MONDO:0012496, OMIM 610443.

Submission:

Labcorp Genetics (formerly Invitae), Labcorp
Classification: Uncertain significance for Koolen-de Vries syndrome. Last evaluated: 2023-06-03. Review status: criteria provided, single submitter. Criteria: Invitae Variant Classification Sherloc (09022015). Collection method: clinical testing. Allele origin: germline.
Comment: In summary, the available evidence is currently insufficient to determine the role of this variant in disease. Therefore, it has been classified as a Variant of Uncertain Significance. Advanced modeling of protein sequence and biophysical properties (such as structural, functional, and spatial information, amino acid conservation, physicochemical variation, residue mobility, and thermodynamic stability) performed at Invitae indicates that this missense variant is not expected to disrupt KANSL1 protein function. This variant has not been reported in the literature in individuals affected with KANSL1-related conditions. This variant is not present in population databases (gnomAD no frequency). This sequence change replaces alanine, which is neutral and non-polar, with threonine, which is neutral and polar, at codon 1000 of the KANSL1 protein (p.Ala1000Thr).

NM_015443.4(KANSL1):c.2998G>A (p.Ala1000Thr)

Gene: KANSL1 (KAT8 regulatory NSL complex subunit 1). Cytogenetic location: 17q21.31.
Variant type: single nucleotide variant.
Coding change: c.2998G>A on transcript NM_015443.4 (MANE Select); coding-DNA position 2998, G replaced by A.
Protein change: p.Ala1000Thr; replaces alanine 1000 with threonine.
Molecular consequence: missense variant.
Genome position (GRCh38, 1-based): chr17:46,032,139, C>T on the plus strand (G>A on the coding strand, the complement: KANSL1 is on the minus strand). VCF-style: chr17-46032139-C-T. GRCh37 (hg19) VCF-style: chr17-44109505-C-T.
Other names: c.2761G>A, p.Ala921Thr (NM_001405881.1); c.1732G>A, p.Ala578Thr (NM_001405882.1); c.1729G>A, p.Ala577Thr (NM_001405883.1); c.1543G>A, p.Ala515Thr (NM_001405884.1); c.1540G>A, p.Ala514Thr (NM_001405885.1); c.2995G>A, p.Ala999Thr (NM_001193465.2, NM_001405856.1, NM_001405857.1 and 1 more transcripts); c.2998G>A, p.Ala1000Thr (NM_001193466.2, NM_001379198.1, NM_001405854.1 and 1 more transcripts); c.2896G>A, p.Ala966Thr (NM_001405859.1, NM_001405860.1); and 4 more; short protein forms A1000T, A577T, A578T, A921T, A966T, A515T, A937T, A956T.
Identifiers: ClinVar variation 2760090 (VCV002760090.3), dbSNP rs2510368396, ClinGen allele CA399986629.